The following is an entry in ClinVar:

NM_004360.5(CDH1):c.7_8delinsTT (p.Pro3Phe)

Gene: CDH1 (cadherin 1; plus strand). Cytogenetic location: 16q22.1.
Variant type: Indel.
Coding change: c.7_8delinsTT on transcript NM_004360.5 (MANE Select); coding-DNA positions 7 to 8, CC replaced by TT.
Protein change: p.Pro3Phe; replaces proline 3 with phenylalanine.
Molecular consequence: missense variant. On other transcripts: 5 prime UTR variant (2).
Genome position (GRCh38, 1-based): chr16:68,737,422-68,737,423, CC replaced by TT. VCF-style: chr16-68737422-CC-TT. GRCh37 (hg19) VCF-style: chr16-68771325-CC-TT.
Other names: c.7_8delinsTT, p.Pro3Phe (NM_001317184.2); c.-1609_-1608delinsTT (NM_001317185.2); c.-1813_-1812delinsTT (NM_001317186.2); short protein forms P3F.
Identifiers: ClinVar variation 4868397 (VCV004868397.1).

ClinVar aggregate classification (germline): Uncertain significance (1 of 4 stars; one submission).

Conditions:
Hereditary cancer-predisposing syndrome. Also called: Neoplastic Syndromes, Hereditary; Tumor predisposition; Hereditary Cancer Syndrome; Hereditary neoplastic syndrome. Identifiers: Orphanet 140162, MedGen C0027672, MeSH D009386, MONDO:0015356.

Submission:

Ambry Genetics
Classification: Uncertain significance for Hereditary cancer-predisposing syndrome. Last evaluated: 2026-04-15. Review status: criteria provided, single submitter. Criteria: Ambry Variant Classification Scheme 2023. Collection method: clinical testing. Allele origin: germline.
Comment: The c.7_8delCCinsTT variant (also known as p.P3F), located in coding exon 1 of the CDH1 gene, results from an in-frame deletion of CC and insertion of TT at nucleotide positions 7 to 8. This results in the substitution of the proline residue for a phenylalanine residue at codon 3, an amino acid with dissimilar properties. This amino acid position is well conserved in available vertebrate species. Based on the available evidence, the clinical significance of this variant remains unclear. In addition, this variant is predicted to be neutral by in silico analysis (Choi Y et al. PLoS ONE. 2012; 7(10):e46688). Based on the available evidence, the clinical significance of this variant remains unclear.